The following is an entry in ClinVar:

NM_001378120.1(MBD5):c.2196C>G (p.Cys732Trp)

Gene: MBD5 (methyl-CpG binding domain protein 5; plus strand). Cytogenetic location: 2q23.1.
Variant type: single nucleotide variant.
Coding change: c.2196C>G on transcript NM_001378120.1 (MANE Select); coding-DNA position 2196, C replaced by G.
Protein change: p.Cys732Trp; replaces cysteine 732 with tryptophan.
Molecular consequence: missense variant.
Genome position (GRCh38, 1-based): chr2:148,470,139, C>G. VCF-style: chr2-148470139-C-G. GRCh37 (hg19) VCF-style: chr2-149227708-C-G.
Other names: p.C732W:TGC>TGG; c.2196C>G, p.Cys732Trp (NM_018328.5); short protein forms C732W.
Identifiers: ClinVar variation 206082 (VCV000206082.10), dbSNP rs748328427, ClinGen allele CA315820.
Genomic context (GRCh38, chr2:148,470,139, plus strand): 5'-CTCTCACTTGAGTAGCAATAGTACCCCGGGTTGTGGGGCCTCAAATACTGCTTTGCCTTG[C>G]TCTGCTAACCAGCTGCATTTTACAGATCCCAGTATGAACTCTAGTGTTCTTCAGAACATA-3'
Protein context (NP_001365049.1, residues 722-742): GCGASNTALP[Cys732Trp]SANQLHFTDP

ClinVar aggregate classification (germline): Uncertain significance. Review status: criteria provided, multiple submitters, no conflicts (2 of 4 stars). 2 submissions from 2 submitters: Uncertain significance (2). Last evaluated 2026-01-19.

Conditions:
Intellectual developmental disorder, autosomal dominant 1. Also called: Intellectual disability, autosomal dominant 1; MBD5 Haploinsufficiency. Identifiers: Orphanet 228402, MedGen C1969562, MONDO:0007974, OMIM 156200.

Allele frequency attached by ClinVar (database versions not stated): ExAC 0.00001; gnomAD exomes 0.00001; TOPMed 0.00002; gnomAD 0.00003 and 0.00004.
gnomAD v4.1: 13 of 1,613,790 alleles (0.00081%); highest among the groups gnomAD compares: African/African-American, 0.0027%; 1 homozygote.

Submissions (2):

Labcorp Genetics (formerly Invitae), Labcorp
Classification: Uncertain significance for Intellectual developmental disorder, autosomal dominant 1. Last evaluated: 2026-01-19. Review status: criteria provided, single submitter. Criteria: Invitae Variant Classification Sherloc (09022015). Collection method: clinical testing. Allele origin: germline.
Comment: This sequence change replaces cysteine, which is neutral and slightly polar, with tryptophan, which is neutral and slightly polar, at codon 732 of the MBD5 protein (p.Cys732Trp). This variant is present in population databases (rs748328427, gnomAD 0.002%). This variant has not been reported in the literature in individuals affected with MBD5-related conditions. ClinVar contains an entry for this variant (Variation ID: 206082). Invitae Evidence Modeling of protein sequence and biophysical properties (such as structural, functional, and spatial information, amino acid conservation, physicochemical variation, residue mobility, and thermodynamic stability) indicates that this missense variant is not expected to disrupt MBD5 protein function with a negative predictive value of 80%. In summary, the available evidence is currently insufficient to determine the role of this variant in disease. Therefore, it has been classified as a Variant of Uncertain Significance.

GeneDx
Classification: Uncertain significance. Last evaluated: 2016-04-06. Review status: criteria provided, single submitter. Criteria: GeneDx Variant Classification (06012015). Collection method: clinical testing. Allele origin: germline. Affected: yes.
Comment: The C732W variant has not been published as a pathogenic variant, nor has it been reported as a benign variant to our knowledge. It was not observed in approximately 6,500 individuals of European and African American ancestry in the NHLBI Exome Sequencing Project, indicating it is not a common benign variant in these populations. The C732W variant is a non-conservative amino acid substitution, which is likely to impact secondary protein structure as these residues differ in polarity, charge, size and/or other properties. This substitution occurs at a position that is conserved in mammals. In silico analysis predicts this variant is probably damaging to the protein structure/function. However, missense variants in nearby residues have not been reported in the Human Gene Mutation Database (Stenson et al., 2014) and to our knowledge, only loss-of-function pathogenic variants in MBD5 have been published in association with epilepsy. Therefore, based on the currently available information, it is unclear whether this variant is a pathogenic variant or a rare benign variant.